The following is an entry in ClinVar:

NM_001165963.4(SCN1A):c.4002+2600A>C

Genes: SCN1A (sodium voltage-gated channel alpha subunit 1; minus strand), LOC102724058 (uncharacterized LOC102724058; plus strand). Cytogenetic location: 2q24.3.
Variant type: single nucleotide variant.
Coding change: c.4002+2600A>C on transcript NM_001165963.4 (MANE Select); 2600 bases into the intron after coding-DNA position 4002, A replaced by C.
Molecular consequence: intron variant.
Genome position (GRCh38, 1-based): chr2:166,007,119, T>G on the plus strand (A>C on the coding strand, the complement: SCN1A is on the minus strand). VCF-style: chr2-166007119-T-G. GRCh37 (hg19) VCF-style: chr2-166863629-T-G.
Other names: c.3969+2600A>C (NM_001353949.2, NM_001353950.2, NM_001353951.2 and 2 more transcripts); c.3918+2600A>C (NM_001353958.2, NM_001353957.2, NM_001165964.3); c.4002+2600A>C (NM_001202435.3, NM_001353948.2); c.3966+2600A>C (NM_001353955.2, NM_001353954.2); c.3915+2600A>C (NM_001353960.2); c.1560+2600A>C (NM_001353961.2).
Identifiers: ClinVar variation 1910469 (VCV001910469.5), dbSNP rs1396428369, ClinGen allele CA537134240.

ClinVar aggregate classification (germline): Uncertain significance (1 of 4 stars; one submission).

Conditions:
Early-infantile DEE. Also called: Early infantile epileptic encephalopathy with suppression bursts; Early infantile epileptic encephalopathy; Ohtahara syndrome. Identifiers: Orphanet 1934, MedGen C0393706, MONDO:0800491.

Allele frequency attached by ClinVar (database versions not stated): gnomAD 0.00003.
gnomAD v4.1: 4 of 150,834 alleles (0.0027%); highest among the groups gnomAD compares: African/African-American, 0.0097%; no homozygotes.

Submission:

Labcorp Genetics (formerly Invitae), Labcorp
Classification: Uncertain significance for Early-infantile DEE. Last evaluated: 2025-06-17. Review status: criteria provided, single submitter. Criteria: Invitae Variant Classification Sherloc (09022015). Collection method: clinical testing. Allele origin: germline.
Comment: This sequence change falls in intron 20 of the SCN1A gene. It does not directly change the encoded amino acid sequence of the SCN1A protein. However, this sequence change falls within a region encompassing a cryptic exon in the SCN1A gene, in which variants have been shown to alter splicing (PMID: 30526861, 34107977). This variant is present in population databases (no rsID available, gnomAD 0.01%). This variant has been observed in individual(s) with clinical features of autosomal dominant SCN1A-related conditions (internal data). ClinVar contains an entry for this variant (Variation ID: 1910469). Algorithms developed to predict the effect of sequence changes on RNA splicing suggest that this variant is not likely to affect RNA splicing. In summary, the available evidence is currently insufficient to determine the role of this variant in disease. Therefore, it has been classified as a Variant of Uncertain Significance.

Literature cited by the submitters: PubMed 30526861; PubMed 34107977.